The following is an entry in ClinVar:

ClinVar aggregate classification (germline): Uncertain significance. Review status: criteria provided, multiple submitters, no conflicts (2 of 4 stars). 3 submissions from 3 submitters: Uncertain significance (3). Last evaluated 2026-03-02.

Conditions:
Cornelia de Lange syndrome 1 (CDLS1). Also called: TYPUS DEGENERATIVUS AMSTELODAMENSIS; Brachmann de Lange syndrome; NIPBL-Related Cornelia de Lange Syndrome. Identifiers: Orphanet 199, MedGen C4551851, MONDO:0007387, OMIM 122470.
Inborn genetic diseases. Identifiers: MedGen C0950123, MeSH D030342.

Allele frequency attached by ClinVar (database versions not stated): gnomAD exomes below 0.00001; ExAC 0.00001; TOPMed 0.00001.
gnomAD v4.1: 3 of 1,613,756 alleles (0.00019%); highest among the groups gnomAD compares: Non-Finnish European, 0.00025%; no homozygotes.

Submissions (3):

Ambry Genetics
Classification: Uncertain significance for Inborn genetic diseases. Last evaluated: 2026-03-02. Review status: criteria provided, single submitter. Criteria: Ambry Variant Classification Scheme 2023. Collection method: clinical testing. Allele origin: germline.
Comment: The c.1604C>T (p.S535L) alteration is located in exon 10 (coding exon 9) of the NIPBL gene. This alteration results from a C to T substitution at nucleotide position 1604, causing the serine (S) at amino acid position 535 to be replaced by a leucine (L). Based on data from gnomAD, the T allele has an overall frequency of <0.001% (1/251310) total alleles studied. The highest observed frequency was 0.001% (1/113650) of European (non-Finnish) alleles. Based on insufficient or conflicting evidence, the clinical significance of this alteration remains unclear.

Labcorp Genetics (formerly Invitae), Labcorp
Classification: Uncertain significance for Cornelia de Lange syndrome 1. Last evaluated: 2025-08-02. Review status: criteria provided, single submitter. Criteria: Invitae Variant Classification Sherloc (09022015). Collection method: clinical testing. Allele origin: germline.
Comment: This sequence change replaces serine, which is neutral and polar, with leucine, which is neutral and non-polar, at codon 535 of the NIPBL protein (p.Ser535Leu). This variant is present in population databases (rs754066837, gnomAD 0.0009%). This variant has not been reported in the literature in individuals affected with NIPBL-related conditions. ClinVar contains an entry for this variant (Variation ID: 2673010). Invitae Evidence Modeling of protein sequence and biophysical properties (such as structural, functional, and spatial information, amino acid conservation, physicochemical variation, residue mobility, and thermodynamic stability) has been performed for this missense variant. However, the output from this modeling did not meet the statistical confidence thresholds required to predict the impact of this variant on NIPBL protein function. In summary, the available evidence is currently insufficient to determine the role of this variant in disease. Therefore, it has been classified as a Variant of Uncertain Significance.

CeGaT Center for Human Genetics Tuebingen
Classification: Uncertain significance. Last evaluated: 2023-11-01. Review status: criteria provided, single submitter. Criteria: CeGaT Center For Human Genetics Tuebingen Variant Classification Criteria Version 2. Collection method: clinical testing. Allele origin: germline. Affected: yes. Observed: 1 variant allele.

NM_133433.4(NIPBL):c.1604C>T (p.Ser535Leu)

Gene: NIPBL (NIPBL cohesin loading factor; plus strand). Cytogenetic location: 5p13.2.
Variant type: single nucleotide variant.
Coding change: c.1604C>T on transcript NM_133433.4 (MANE Select); coding-DNA position 1604, C replaced by T.
Protein change: p.Ser535Leu; replaces serine 535 with leucine.
Molecular consequence: missense variant.
Genome position (GRCh38, 1-based): chr5:36,984,784, C>T. VCF-style: chr5-36984784-C-T. GRCh37 (hg19) VCF-style: chr5-36984886-C-T.
Other names: c.1604C>T, p.Ser535Leu (NM_015384.5); c.1604C>T (NM_133433.3); short protein forms S535L.
Identifiers: ClinVar variation 2673010 (VCV002673010.24), dbSNP rs754066837, ClinGen allele CA3236060.